The following is an entry in ClinVar:

ClinVar aggregate classification (germline): Likely benign (1 of 4 stars; one submission).

Allele frequency attached by ClinVar (database versions not stated): gnomAD exomes below 0.00001; TOPMed 0.00001.

Submission:

Women's Health and Genetics/Laboratory Corporation of America, LabCorp
Classification: Likely benign. Last evaluated: 2023-11-02. Review status: criteria provided, single submitter. Criteria: LabCorp Variant Classification Summary - May 2015. Collection method: clinical testing. Allele origin: germline.
Comment: Variant summary: CFHR4 c.440-11T>C alters a non-conserved nucleotide located at a position not widely known to affect splicing. Consensus agreement among computation tools predict no significant impact on normal splicing. However, these predictions have yet to be confirmed by functional studies. The variant allele was found at a frequency of 8.4e-06 in 238344 control chromosomes (gnomAD). The available data on variant occurrences in the general population are insufficient to allow any conclusion about variant significance. To our knowledge, no occurrence of c.440-11T>C in individuals affected with Genetic Atypical Hemolytic Uremic Syndrome and no experimental evidence demonstrating its impact on protein function have been reported. No submitters have cited clinical-significance assessments for this variant to ClinVar after 2014. Based on the evidence outlined above, the variant was classified as likely benign.

NM_001201550.3(CFHR4):c.440-11T>C

Gene: CFHR4 (complement factor H related 4; plus strand). Cytogenetic location: 1q31.3.
Variant type: single nucleotide variant.
Coding change: c.440-11T>C on transcript NM_001201550.3 (MANE Select); 11 bases into the intron before coding-DNA position 440, T replaced by C.
Molecular consequence: intron variant.
Genome position (GRCh38, 1-based): chr1:196,906,850, T>C. VCF-style: chr1-196906850-T-C. GRCh37 (hg19) VCF-style: chr1-196875980-T-C.
Other names: c.256+4235T>C (NM_006684.5); c.437-11T>C (NM_001201551.2).
Identifiers: ClinVar variation 2682529 (VCV002682529.1), dbSNP rs1167395966, ClinGen allele CA528269464.